The following is an entry in ClinVar:

NM_006946.4(SPTBN2):c.6410C>G (p.Pro2137Arg)

Gene: SPTBN2 (spectrin beta, non-erythrocytic 2; minus strand). Cytogenetic location: 11q13.2.
Variant type: single nucleotide variant.
Coding change: c.6410C>G on transcript NM_006946.4 (MANE Select); coding-DNA position 6410, C replaced by G.
Protein change: p.Pro2137Arg; replaces proline 2137 with arginine.
Molecular consequence: missense variant.
Genome position (GRCh38, 1-based): chr11:66,688,044, G>C on the plus strand (C>G on the coding strand, the complement: SPTBN2 is on the minus strand). VCF-style: chr11-66688044-G-C. GRCh37 (hg19) VCF-style: chr11-66455515-G-C.
Other names: c.6431C>G, p.Pro2144Arg (NM_001411025.1); c.6410C>G, p.Pro2137Arg (NM_001437541.1); short protein forms P2137R, P2144R.
Identifiers: ClinVar variation 4682374 (VCV004682374.1).

ClinVar aggregate classification (germline): Uncertain significance (1 of 4 stars; one submission).

Submission:

Athena Diagnostics
Classification: Uncertain significance. Last evaluated: 2024-12-31. Review status: criteria provided, single submitter. Criteria: Athena Diagnostics Criteria. Collection method: clinical testing. Allele origin: unknown.
Comment: Available data are insufficient to determine the clinical significance of the variant at this time. This variant has not been reported in large, multi-ethnic general populations. Polyphen and MutationTaster predict this amino acid change may be benign.